The following is an entry in ClinVar:

ClinVar aggregate classification (germline): Uncertain significance. Review status: criteria provided, multiple submitters, no conflicts (2 of 4 stars). 2 submissions from 2 submitters: Uncertain significance (2). Last evaluated 2025-09-28.

Allele frequency attached by ClinVar (database versions not stated): gnomAD exomes below 0.00001.
gnomAD v4.1: 4 of 1,614,164 alleles (0.00025%); highest among the groups gnomAD compares: Non-Finnish European, 0.00034%; no homozygotes.

Submissions (2):

Ambry Genetics
Classification: Uncertain significance. Last evaluated: 2025-09-28. Review status: criteria provided, single submitter. Criteria: Ambry Variant Classification Scheme 2023. Collection method: clinical testing. Allele origin: germline.

Labcorp Genetics (formerly Invitae), Labcorp
Classification: Uncertain significance. Last evaluated: 2022-02-10. Review status: criteria provided, single submitter. Criteria: Invitae Variant Classification Sherloc (09022015). Collection method: clinical testing. Allele origin: germline.
Comment: This sequence change replaces tyrosine, which is neutral and polar, with cysteine, which is neutral and slightly polar, at codon 122 of the RNF31 protein (p.Tyr122Cys). In summary, the available evidence is currently insufficient to determine the role of this variant in disease. Therefore, it has been classified as a Variant of Uncertain Significance. Algorithms developed to predict the effect of missense changes on protein structure and function are either unavailable or do not agree on the potential impact of this missense change (SIFT: "Deleterious"; PolyPhen-2: "Probably Damaging"; Align-GVGD: "Class C0"). This variant has not been reported in the literature in individuals affected with RNF31-related conditions. This variant is not present in population databases (gnomAD no frequency).

NM_017999.5(RNF31):c.365A>G (p.Tyr122Cys)

Gene: RNF31 (ring finger protein 31; plus strand). Cytogenetic location: 14q12.
Variant type: single nucleotide variant.
Coding change: c.365A>G on transcript NM_017999.5 (MANE Select); coding-DNA position 365, A replaced by G.
Protein change: p.Tyr122Cys; replaces tyrosine 122 with cysteine.
Molecular consequence: missense variant. On other transcripts: 5 prime UTR variant (1).
Genome position (GRCh38, 1-based): chr14:24,148,283, A>G. VCF-style: chr14-24148283-A-G. GRCh37 (hg19) VCF-style: chr14-24617492-A-G.
Other names: c.-153A>G (NM_001310332.2); c.365A>G (NM_017999.4); short protein forms Y122C.
Identifiers: ClinVar variation 1489875 (VCV001489875.9), dbSNP rs2139075322, ClinGen allele CA389286592.
Genomic context (GRCh38, chr14:24,148,283, plus strand): 5'-CCTCCTGGGTGGTGACTCGTTTGAATGTGTGGCAGGGGGGCCGAGATGTGCTGCGATTAT[A>G]TGGCTACACAGAGGAGCAACCAGATGGGTTGAGCTTCCCCGAAGGGCAGGAGGAGCCAGA-3'
Protein context (NP_060469.4, residues 112-132): VQGGRDVLRL[Tyr122Cys]GYTEEQPDGL